The following is an entry in ClinVar:

ClinVar aggregate classification (germline): Uncertain significance (1 of 4 stars; one submission).

Conditions:
Amyotrophic lateral sclerosis type 15. Also called: AMYOTROPHIC LATERAL SCLEROSIS 15 WITH FRONTOTEMPORAL DEMENTIA. Identifiers: Orphanet 803, MedGen C3275459, MONDO:0010459, OMIM 300857.

Submission:

Labcorp Genetics (formerly Invitae), Labcorp
Classification: Uncertain significance for Amyotrophic lateral sclerosis type 15. Last evaluated: 2024-12-19. Review status: criteria provided, single submitter. Criteria: Invitae Variant Classification Sherloc (09022015). Collection method: clinical testing. Allele origin: germline.
Comment: This sequence change replaces alanine, which is neutral and non-polar, with serine, which is neutral and polar, at codon 407 of the UBQLN2 protein (p.Ala407Ser). This variant is not present in population databases (gnomAD no frequency). This variant has not been reported in the literature in individuals affected with UBQLN2-related conditions. Invitae Evidence Modeling of protein sequence and biophysical properties (such as structural, functional, and spatial information, amino acid conservation, physicochemical variation, residue mobility, and thermodynamic stability) indicates that this missense variant is not expected to disrupt UBQLN2 protein function with a negative predictive value of 80%. In summary, the available evidence is currently insufficient to determine the role of this variant in disease. Therefore, it has been classified as a Variant of Uncertain Significance.

NM_013444.4(UBQLN2):c.1219G>T (p.Ala407Ser)

Gene: UBQLN2 (ubiquilin 2; plus strand). Cytogenetic location: Xp11.21.
Variant type: single nucleotide variant.
Coding change: c.1219G>T on transcript NM_013444.4 (MANE Select); coding-DNA position 1219, G replaced by T.
Protein change: p.Ala407Ser; replaces alanine 407 with serine.
Molecular consequence: missense variant.
Genome position (GRCh38, 1-based): chrX:56,565,092, G>T. VCF-style: chrX-56565092-G-T. GRCh37 (hg19) VCF-style: chrX-56591525-G-T.
Other names: short protein forms A407S.
Identifiers: ClinVar variation 3697182 (VCV003697182.2).